The following is an entry in ClinVar:

ClinVar aggregate classification (germline): Uncertain significance (1 of 4 stars; one submission).

Conditions:
Dilated cardiomyopathy 1G (CMD1G). Identifiers: Orphanet 154, MedGen C1858763, MONDO:0011400, OMIM 604145.
Autosomal recessive limb-girdle muscular dystrophy type 2J (LGMDR10). Also called: MUSCULAR DYSTROPHY, LIMB-GIRDLE, AUTOSOMAL RECESSIVE 10; Limb-girdle muscular dystrophy, type 2J. Identifiers: Orphanet 140922, MedGen C1837342, MONDO:0012127, OMIM 608807.

Submission:

Labcorp Genetics (formerly Invitae), Labcorp
Classification: Uncertain significance for Dilated cardiomyopathy 1G; Autosomal recessive limb-girdle muscular dystrophy type 2J. Last evaluated: 2021-11-01. Review status: criteria provided, single submitter. Criteria: Invitae Variant Classification Sherloc (09022015). Collection method: clinical testing. Allele origin: germline.
Comment: This variant is not present in population databases (gnomAD no frequency). This sequence change falls in intron 35 of the TTN gene. It does not directly change the encoded amino acid sequence of the TTN protein. It affects a nucleotide within the consensus splice site. This variant has not been reported in the literature in individuals affected with TTN-related conditions. Variants that disrupt the consensus splice site are a relatively common cause of aberrant splicing (PMID: 17576681, 9536098). Algorithms developed to predict the effect of sequence changes on RNA splicing suggest that this variant may disrupt the consensus splice site. In summary, the available evidence is currently insufficient to determine the role of this variant in disease. Therefore, it has been classified as a Variant of Uncertain Significance. This variant is located in the I band of TTN (PMID: 25589632). Variants in this region may be clinically relevant, but have not been definitively shown to cause cardiomyopathy or neuromuscular disease (PMID: 27493940, 32778822).

Literature cited by the submitters: PubMed 17576681; PubMed 9536098; PubMed 25589632; PubMed 27493940; PubMed 32778822.

NM_001267550.2(TTN):c.8380+5G>T

Gene: TTN (titin; minus strand). Cytogenetic location: 2q31.2.
Variant type: single nucleotide variant.
Coding change: c.8380+5G>T on transcript NM_001267550.2 (MANE Select); 5 bases into the intron after coding-DNA position 8380, G replaced by T.
Molecular consequence: intron variant.
Genome position (GRCh38, 1-based): chr2:178,770,407, C>A on the plus strand (G>T on the coding strand, the complement: TTN is on the minus strand). VCF-style: chr2-178770407-C-A. GRCh37 (hg19) VCF-style: chr2-179635134-C-A.
Other names: c.8242+5G>T (NM_003319.4, NM_133437.4, NM_133432.3); c.8380+5G>T (NM_133378.4, NM_001256850.1, NM_133379.5).
Identifiers: ClinVar variation 1374870 (VCV001374870.6), dbSNP rs2154342828, ClinGen allele CA2573133941.